The following is an entry in ClinVar:

ClinVar aggregate classification (germline): Uncertain significance (1 of 4 stars; one submission).

Conditions:
Early-infantile DEE. Also called: Early infantile epileptic encephalopathy with suppression bursts; Ohtahara syndrome; Early infantile epileptic encephalopathy. Identifiers: Orphanet 1934, MedGen C0393706, MONDO:0800491.

Allele frequency attached by ClinVar (database versions not stated): TOPMed 0.00001; gnomAD 0.00002.
gnomAD v4.1: 19 of 1,614,050 alleles (0.0012%); highest among the groups gnomAD compares: Non-Finnish European, 0.0015%; no homozygotes.

Submission:

Labcorp Genetics (formerly Invitae), Labcorp
Classification: Uncertain significance for Early-infantile DEE. Last evaluated: 2024-10-15. Review status: criteria provided, single submitter. Criteria: Invitae Variant Classification Sherloc (09022015). Collection method: clinical testing. Allele origin: germline.
Comment: This sequence change replaces glycine, which is neutral and non-polar, with arginine, which is basic and polar, at codon 810 of the KCNH5 protein (p.Gly810Arg). This variant is present in population databases (no rsID available, gnomAD 0.0009%). This variant has not been reported in the literature in individuals affected with KCNH5-related conditions. ClinVar contains an entry for this variant (Variation ID: 2080162). An algorithm developed to predict the effect of missense changes on protein structure and function (PolyPhen-2) suggests that this variant is likely to be disruptive. In summary, the available evidence is currently insufficient to determine the role of this variant in disease. Therefore, it has been classified as a Variant of Uncertain Significance.

NM_139318.5(KCNH5):c.2428G>C (p.Gly810Arg)

Gene: KCNH5 (potassium voltage-gated channel subfamily H member 5; minus strand). Cytogenetic location: 14q23.2.
Variant type: single nucleotide variant.
Coding change: c.2428G>C on transcript NM_139318.5 (MANE Select); coding-DNA position 2428, G replaced by C.
Protein change: p.Gly810Arg; replaces glycine 810 with arginine.
Molecular consequence: missense variant. On other transcripts: 3 prime UTR variant (1).
Genome position (GRCh38, 1-based): chr14:62,708,047, C>G on the plus strand (G>C on the coding strand, the complement: KCNH5 is on the minus strand). VCF-style: chr14-62708047-C-G. GRCh37 (hg19) VCF-style: chr14-63174765-C-G.
Other names: c.*395G>C (NM_172375.3); short protein forms G810R.
Identifiers: ClinVar variation 2080162 (VCV002080162.4), dbSNP rs1464364562, ClinGen allele CA390100630.
Genomic context (GRCh38, chr14:62,708,047, plus strand): 5'-TATTCCAGTCTTCCTTTTTCTCCTCATGGGCTCCCATATTATTCTTGAGTCGCAGCCACC[C>G]TTTTCCATTTCCATTCTTCATTCTTATTGGGCTGTTGACTTTGAGACATTTTTGGTCAGC-3'
Protein context (NP_647479.2, residues 800-820): PIRMKNGNGK[Gly810Arg]WLRLKNNMGA